The following is an entry in ClinVar:

NM_017644.3(KLHL24):c.1A>G (p.Met1Val)

Gene: KLHL24 (kelch like family member 24; plus strand). Cytogenetic location: 3q27.1.
Variant type: single nucleotide variant.
Coding change: c.1A>G on transcript NM_017644.3 (MANE Select); coding-DNA position 1, A replaced by G.
Protein change: p.Met1Val; changes the start codon (methionine 1).
Molecular consequence: missense variant, initiator codon variant. On other transcripts: 5 prime UTR variant (2), non-coding transcript variant (2).
Genome position (GRCh38, 1-based): chr3:183,650,357, A>G. VCF-style: chr3-183650357-A-G. GRCh37 (hg19) VCF-style: chr3-183368145-A-G.
Other names: VAL2-MET29 DEL, 1A-G; c.1A>G, p.Met1Val (NM_001349413.1, NM_001349414.1, NM_001349415.1 and 11 more transcripts); c.-966A>G (NM_001349428.1, NM_001349429.1); short protein forms M1V.
Identifiers: ClinVar variation 264648 (VCV000264648.18), dbSNP rs886037956, ClinGen allele CA10587990.

ClinVar aggregate classification (germline): Pathogenic. Review status: criteria provided, multiple submitters, no conflicts (2 of 4 stars). 8 submissions from 8 submitters: Pathogenic (6). 2 of the submissions do not count toward it. Last evaluated 2023-12-29.

Conditions:
KLHL24-related disorders.
KLHL24-related disorder. Also called: KLHL24-related condition.
Epidermolysis bullosa simplex 6, generalized, with scarring and hair loss (EBS6). Also called: Epidermolysis bullosa simplex 6, generalized intermediate, with or without cardiomyopathy; Epidermolysis bullosa simplex, generalized, with scarring and hair loss; EPIDERMOLYSIS BULLOSA SIMPLEX 6, GENERALIZED INTERMEDIATE, WITH SCARRING AND HAIR LOSS, WITH OR WITHOUT DILATED CARDIOMYOPATHY. Identifiers: Orphanet 508529, MedGen C4310631, MONDO:0015006, OMIM 617294.
Epidermolysis bullosa simplex, Koebner type. Identifiers: Orphanet 79399, MedGen C5561924, MONDO:0007554, OMIM 131900.

Submissions (8):

Blueprint Genetics
Classification: Pathogenic for KLHL24-related disorders. Last evaluated: 2023-12-29. Review status: criteria provided, single submitter. Criteria: ACMG Guidelines, 2015. Collection method: clinical testing. Allele origin: germline. Affected: yes. Observed: 5 variant alleles.

Labcorp Genetics (formerly Invitae), Labcorp
Classification: Pathogenic. Last evaluated: 2023-11-02. Review status: criteria provided, single submitter. Criteria: Invitae Variant Classification Sherloc (09022015). Collection method: clinical testing. Allele origin: germline.
Comment: This sequence change affects the initiator methionine of the KLHL24 mRNA. The next in-frame methionine is located at codon 29. Loss-of-function variants in KLHL24 are expected to cause autosomal recessive hypertrophic cardiomyopathy (PMID: 30715372). However, initiator codon variants and truncations that occur before p.Met29 are unlikely to result in loss of function (PMID: 35975634). This variant is not present in population databases (gnomAD no frequency). Disruption of the initiator codon has been observed in individual(s) with autosomal dominant epidermolysis bullosa (PMID: 27889062). In at least one individual the variant was observed to be de novo. It has also been observed to segregate with disease in related individuals. ClinVar contains an entry for this variant (Variation ID: 264648). For these reasons, this variant has been classified as Pathogenic.

GeneDx
Classification: Pathogenic. Last evaluated: 2022-02-25. Review status: criteria provided, single submitter. Criteria: GeneDx Variant Classification Process June 2021. Collection method: clinical testing. Allele origin: germline. Affected: yes.
Comment: Follow-up reports have identified evidence of cardiac involvement such as increased blood levels of a biomarker for heart disease, significant cardiac dysfunction by imaging, or adult-onset dilated cardiomyopathy (DCM) in a high proportion of these patients, and neurological involvement in a smaller proportion (Schwieger-Briel et al., 2018; Yenamandra et al., 2018); The c.1 A>G variant alters the initiator Methionine codon, and the resultant protein is described as p.Met1? using a question mark to signify that it is not certain if the loss of Met1 means that all protein translation is completely prevented or if an abnormal protein is produced using an alternate Met; however, published functional studies demonstrate that a downstream in-frame Met initiation codon was used to initiate translation of a protein missing the initial 28 amino acids of the KLHL24 protein (denoted p.Val2_Met29del or KLHL24delta28) in some patients (Lin et al., 2016; He et al., 2016); Not observed in large population cohorts (gnomAD); This variant is associated with the following publications: (PMID: 27798626, 27889062, 28111128, 30120936, 29779254, 34292882, 34008892, 32484238)

Laboratorio de Genetica e Diagnostico Molecular, Hospital Israelita Albert Einstein
Classification: Pathogenic for Epidermolysis bullosa simplex 6, generalized, with scarring and hair loss. Last evaluated: 2022-01-15. Review status: criteria provided, single submitter. Criteria: ACMG Guidelines, 2015. Collection method: clinical testing. Allele origin: germline. Affected: yes.
Comment: ACMG classification criteria: PS3 supporting, PS4 strong, PM2 moderate, PM6 very strong, PP1 supporting

Laboratory of Medical Genetics, National & Kapodistrian University of Athens
Classification: Pathogenic for Epidermolysis bullosa simplex 6, generalized, with scarring and hair loss. Last evaluated: 2018-07-27. Review status: criteria provided, single submitter. Criteria: ACMG Guidelines, 2015. Collection method: clinical testing. Allele origin: de novo. Affected: yes.
Comment: PS3, PM2, PM6, PP3, PP4, PP5

Clinical Genetics Laboratory of Dermatology, Peking University First Hospital
Classification: Pathogenic for EPIDERMOLYSIS BULLOSA SIMPLEX, GENERALIZED. Last evaluated: 2016-09-01. Review status: criteria provided, single submitter. Criteria: Lin et al. (Nat Genet. 2016). Collection method: research, in vitro. Allele origin: de novo, not applicable. Inheritance: Autosomal dominant inheritance. Affected: yes. Observed: 3 variant alleles, 3 heterozygotes. Clinical features observed: Fragile skin.

PreventionGenetics, part of Exact Sciences
Classification: Pathogenic for KLHL24-related condition. Last evaluated: 2024-05-01. Review status: no assertion criteria provided. Collection method: clinical testing. Allele origin: germline. Not counted in ClinVar's aggregate classification.
Comment: The KLHL24 c.1A>G variant is predicted to disrupt the translation initiation site (Start loss). This variant has been reported as a recurrent de novo variant in individuals with epidermolysis bullosa (see for example, He et al. 2016. PubMed ID: 27889062; Lee et a 2017. PubMed ID: 28111128; Table S1, Chen et al. 2020. PubMed ID: 32484238). Alternate nucleotide changes predicted to result in start-loss (1A>T, 2T>C, 2T>G, 3G>T, c.3G>A; p.Met1?), have also been reported in individuals with epidermolysis bullosa (Lin et al. 2016. PubMed ID: 27798626; He et al. 2016. PubMed ID: 27889062; Human Gene Mutation Database). This variant has not been reported in a large population database, indicating this variant is rare. This variant is interpreted as pathogenic.

OMIM
Classification: Pathogenic for EPIDERMOLYSIS BULLOSA SIMPLEX 6, GENERALIZED INTERMEDIATE, WITH SCARRING AND HAIR LOSS, WITH OR WITHOUT DILATED CARDIOMYOPATHY. Last evaluated: 2023-02-08. Review status: no assertion criteria provided. Collection method: literature only. Allele origin: germline. Not counted in ClinVar's aggregate classification.

Literature cited by the submitters: PubMed 30715372 (cited by Labcorp Genetics (formerly Invitae), Labcorp); PubMed 35975634 (cited by Labcorp Genetics (formerly Invitae), Labcorp); PubMed 27889062 (cited by Labcorp Genetics (formerly Invitae), Labcorp and OMIM); PubMed 27798626 (cited by OMIM); PubMed 29779254 (cited by OMIM); PubMed 30120936 (cited by OMIM); PubMed 34292882 (cited by OMIM).